The following is an entry in ClinVar:

NM_000836.4(GRIN2D):c.2157GAA[1] (p.Lys720del)

Gene: GRIN2D (glutamate ionotropic receptor NMDA type subunit 2D; plus strand). Cytogenetic location: 19q13.33.
Variant type: Microsatellite.
Coding change: c.2157GAA[1] on transcript NM_000836.4 (MANE Select); one copy of the 3-base unit GAA starting at c.2157; the reference has two copies in a row; one copy, 3 bases deleted.
Protein change: p.Lys720del; deletes lysine 720.
Molecular consequence: inframe deletion.
Genome position (GRCh38, 1-based): chr19:48,421,853-48,421,855, GAA deleted; deleting any 3 consecutive bases within chr19:48,421,849-48,421,855 gives the same sequence; the position shown is the placement nearest the transcript's 3' end. VCF-style (leftmost placement, unchanged base first): chr19-48421848-GAGA-G. GRCh37 (hg19) VCF-style: chr19-48925105-GAGA-G.
Other names: short protein forms K720del.
Identifiers: ClinVar variation 2979780 (VCV002979780.3), dbSNP rs2513676797, ClinGen allele CA2586190020.
Genomic context (GRCh38, chr19:48,421,848, plus strand): 5'-CAGAGGCCCCAGGAGCAGTACCCGCCCCTGAAGTTTGGGACCGTGCCCAACGGCTCCACG[GAGA>G]AGAACATCCGCAGCAACTATCCCGACATGCACAGCTACATGGTGCGCTACAACCAGCCCC-3'

ClinVar aggregate classification (germline): Uncertain significance (1 of 4 stars; one submission).

Submission:

Labcorp Genetics (formerly Invitae), Labcorp
Classification: Uncertain significance. Last evaluated: 2023-11-18. Review status: criteria provided, single submitter. Criteria: Invitae Variant Classification Sherloc (09022015). Collection method: clinical testing. Allele origin: germline.
Comment: This variant, c.2160_2162del, results in the deletion of 1 amino acid(s) of the GRIN2D protein (p.Lys720del), but otherwise preserves the integrity of the reading frame. This variant is not present in population databases (gnomAD no frequency). This variant has not been reported in the literature in individuals affected with GRIN2D-related conditions. Experimental studies and prediction algorithms are not available or were not evaluated, and the functional significance of this variant is currently unknown. In summary, the available evidence is currently insufficient to determine the role of this variant in disease. Therefore, it has been classified as a Variant of Uncertain Significance.